The following is an entry in ClinVar:

ClinVar aggregate classification (germline): Likely benign. Review status: criteria provided, single submitter (1 of 4 stars). 2 submissions from 2 submitters: Likely benign (1). 1 of the submissions does not count toward it. Last evaluated 2024-02-20.

Conditions:
FAM111B-related disorder. Also called: FAM111B-related condition.

Allele frequency attached by ClinVar (database versions not stated): 1000 Genomes Project 0.00100; gnomAD 0.00108; 1000 Genomes Project 30x 0.00109; TOPMed 0.00110; ESP Exome Variant Server 0.00177.
gnomAD v4.1: 391 of 1,613,900 alleles (0.024%); highest among the groups gnomAD compares: African/African-American, 0.38%; no homozygotes.

Submissions (2):

Blueprint Genetics
Classification: Likely benign. Last evaluated: 2024-02-20. Review status: criteria provided, single submitter. Criteria: ACMG Guidelines, 2015. Collection method: clinical testing. Allele origin: germline.

PreventionGenetics, part of Exact Sciences
Classification: Likely benign for FAM111B-related condition. Last evaluated: 2019-11-25. Review status: no assertion criteria provided. Collection method: clinical testing. Allele origin: germline. Not counted in ClinVar's aggregate classification.
Comment: This variant is classified as likely benign based on ACMG/AMP sequence variant interpretation guidelines (Richards et al. 2015 PMID: 25741868, with internal and published modifications).

NM_198947.4(FAM111B):c.1913C>T (p.Thr638Met)

Gene: FAM111B (FAM111 trypsin like peptidase B; plus strand). Cytogenetic location: 11q12.1.
Variant type: single nucleotide variant.
Coding change: c.1913C>T on transcript NM_198947.4 (MANE Select); coding-DNA position 1913, C replaced by T.
Protein change: p.Thr638Met; replaces threonine 638 with methionine.
Molecular consequence: missense variant.
Genome position (GRCh38, 1-based): chr11:59,126,010, C>T. VCF-style: chr11-59126010-C-T. GRCh37 (hg19) VCF-style: chr11-58893483-C-T.
Other names: c.1823C>T, p.Thr608Met (NM_001142703.2, NM_001142704.2); short protein forms T608M, T638M.
Identifiers: ClinVar variation 3048163 (VCV003048163.3), dbSNP rs143926442, ClinGen allele CA6016397.
Genomic context (GRCh38, chr11:59,126,010, plus strand): 5'-GTAATGTATACTGTATGTTTACCCAAAGAAGTTTCCTATCAGAGGTTTGGAACACACACA[C>T]GCTTAGTTATGATACTTGTTTCTCTGATGGGTCCTCAGGCTCCCCAGTGTTTAATGCATC-3'
Protein context (NP_945185.1, residues 628-648): SFLSEVWNTH[Thr638Met]LSYDTCFSDG